The following is an entry in ClinVar:

NM_000540.3(RYR1):c.11294A>C (p.Gln3765Pro)

Gene: RYR1 (ryanodine receptor 1; plus strand). Cytogenetic location: 19q13.2.
Variant type: single nucleotide variant.
Coding change: c.11294A>C on transcript NM_000540.3 (MANE Select); coding-DNA position 11294, A replaced by C.
Protein change: p.Gln3765Pro; replaces glutamine 3765 with proline.
Molecular consequence: missense variant.
Genome position (GRCh38, 1-based): chr19:38,534,754, A>C. VCF-style: chr19-38534754-A-C. GRCh37 (hg19) VCF-style: chr19-39025394-A-C.
Other names: c.11279A>C, p.Gln3760Pro (NM_001042723.2); short protein forms Q3760P, Q3765P.
Identifiers: ClinVar variation 3072984 (VCV003072984.1), dbSNP rs2514526936, ClinGen allele CA405654600.

ClinVar aggregate classification (germline): Uncertain significance (1 of 4 stars; one submission).

Conditions:
Malignant hyperthermia, susceptibility to, 1 (MHS1). Also called: Anesthesia related hyperthermia; Malignant hyperpyrexia; Fulminating hyperpyrexia; Pharmacogenic myopathy; RYR1-Related Malignant Hyperthermia Susceptibility; Malignant hyperthermia suceptibility 1. Identifiers: Orphanet 423, MedGen C2930980, MONDO:0007783, OMIM 145600.

Submission:

All of Us Research Program, National Institutes of Health
Classification: Uncertain significance for Malignant hyperthermia, susceptibility to, 1. Last evaluated: 2023-08-15. Review status: criteria provided, single submitter. Criteria: ACMG Guidelines, 2015. Collection method: clinical testing. Allele origin: germline. Inheritance: Autosomal dominant inheritance. Observed: 1 variant allele, 1 heterozygote.
Comment: This missense variant replaces glutamine with proline at codon 3765 of the RYR1 protein. Computational prediction suggests that this variant may have deleterious impact on protein structure and function (internally defined REVEL score threshold >= 0.7, PMID: 27666373). To our knowledge, functional studies have not been reported for this variant. This variant has not been reported in individuals affected with RYR1-related disorders in the literature. This variant has not been identified in the general population by the Genome Aggregation Database (gnomAD). The available evidence is insufficient to determine the role of this variant in disease conclusively. Therefore, this variant is classified as a Variant of Uncertain Significance.

This study involves interpretation of variants in research participants for the purpose of population health screening. Participant phenotype was not available at the time of variant classification. Additional details can be found in publication PMID: 35346344, PMCID: PMC8962531